The following is an entry in ClinVar:

ClinVar aggregate classification (germline): Uncertain significance (1 of 4 stars; one submission).

Conditions:
Inborn genetic diseases. Identifiers: MedGen C0950123, MeSH D030342.

Submission:

Ambry Genetics
Classification: Uncertain significance for Inborn genetic diseases. Last evaluated: 2026-07-07. Review status: criteria provided, single submitter. Criteria: Ambry Variant Classification Scheme 2023. Collection method: clinical testing. Allele origin: germline.
Comment: The p.A103V variant (also known as c.308C>T), located in coding exon 1 of the WT1 gene, results from a C to T substitution at nucleotide position 308. The alanine at codon 103 is replaced by valine, an amino acid with similar properties. This amino acid position is conserved. In addition, this alteration is predicted to be tolerated by in silico analysis. Based on the available evidence, the clinical significance of this variant remains unclear.

NM_024426.6(WT1):c.323C>T (p.Ala108Val)

Genes: WT1 (WT1 transcription factor; minus strand), LOC107982234 (WT1/WT1-AS bi-directional promoter region; plus strand). Cytogenetic location: 11p13.
Variant type: single nucleotide variant.
Coding change: c.323C>T on transcript NM_024426.6 (MANE Select); coding-DNA position 323, C replaced by T.
Protein change: p.Ala108Val; replaces alanine 108 with valine.
Molecular consequence: missense variant. On other transcripts: non-coding transcript variant (2).
Genome position (GRCh38, 1-based): chr11:32,435,038, G>A on the plus strand (C>T on the coding strand, the complement: WT1 is on the minus strand). VCF-style: chr11-32435038-G-A. GRCh37 (hg19) VCF-style: chr11-32456584-G-A.
Other names: c.323C>T, p.Ala108Val (NM_001407046.1, NM_001407047.1, NM_001407048.1 and 6 more transcripts); c.104C>T, p.Ala35Val (NM_001429031.1, NM_001429032.1, NM_001429033.1 and 1 more transcripts); short protein forms A103V, A35V, A108V.
Identifiers: ClinVar variation 5032040 (VCV005032040.1).